The following is an entry in ClinVar:

ClinVar aggregate classification (germline): Uncertain significance (1 of 4 stars; one submission).

Submission:

Dasa
Classification: Uncertain significance. Last evaluated: 2025-04-14. Review status: criteria provided, single submitter. Criteria: DASA Assertion Criteria. Collection method: clinical testing. Allele origin: germline.
Comment: NM_000489.6(ATRX):c.6071T>C (p.Phe2024Ser) is a missense variant that results in the substitution of phenylalanine with serine. The affected residue or protein region has prior evidence supporting clinical relevance. This variant is absent from population databases. Computational prediction algorithms are consistent with a deleterious effect. The currently available literature and clinical evidence are not sufficient to establish a definitive association between this variant and the reported condition. Therefore, this variant is classified as a variant of uncertain significance.

NM_000489.6(ATRX):c.6071T>C (p.Phe2024Ser)

Gene: ATRX (ATRX chromatin remodeler; minus strand). Cytogenetic location: Xq21.1.
Variant type: single nucleotide variant.
Coding change: c.6071T>C on transcript NM_000489.6 (MANE Select); coding-DNA position 6071, T replaced by C.
Protein change: p.Phe2024Ser; replaces phenylalanine 2024 with serine.
Molecular consequence: missense variant.
Genome position (GRCh38, 1-based): chrX:77,593,735, A>G on the plus strand (T>C on the coding strand, the complement: ATRX is on the minus strand). VCF-style: chrX-77593735-A-G. GRCh37 (hg19) VCF-style: chrX-76849205-A-G.
Other names: c.5957T>C, p.Phe1986Ser (NM_138270.5); short protein forms F1986S, F2024S.
Identifiers: ClinVar variation 5020971 (VCV005020971.1).